The following is an entry in ClinVar:

NM_022100.3(MRPS14):c.216T>G (p.Asp72Glu)

Gene: MRPS14 (mitochondrial ribosomal protein S14; minus strand). Cytogenetic location: 1q25.1.
Variant type: single nucleotide variant.
Coding change: c.216T>G on transcript NM_022100.3 (MANE Select); coding-DNA position 216, T replaced by G.
Protein change: p.Asp72Glu; replaces aspartic acid 72 with glutamic acid.
Molecular consequence: missense variant. On other transcripts: non-coding transcript variant (1).
Genome position (GRCh38, 1-based): chr1:175,014,840, A>C on the plus strand (T>G on the coding strand, the complement: MRPS14 is on the minus strand). VCF-style: chr1-175014840-A-C. GRCh37 (hg19) VCF-style: chr1-174983976-A-C.
Other names: short protein forms D72E.
Identifiers: ClinVar variation 3614529 (VCV003614529.2).
Genomic context (GRCh38, chr1:175,014,840, plus strand): 5'-AACACACCGATTTCTGATTCTAACAGGACAGCTATCCCGGGGGAGGGCAGCAATTTCTTC[A>C]TCAGCCACATCCTAAGGGAAATCACATTATTACACAGATCACATTACATTGTTGCACATG-3'
Protein context (NP_071383.1, residues 62-82): ILPKILQDVA[Asp72Glu]EEIAALPRDS

ClinVar aggregate classification (germline): Uncertain significance (1 of 4 stars; one submission).

Submission:

Labcorp Genetics (formerly Invitae), Labcorp
Classification: Uncertain significance. Last evaluated: 2024-10-30. Review status: criteria provided, single submitter. Criteria: Invitae Variant Classification Sherloc (09022015). Collection method: clinical testing. Allele origin: germline.
Comment: This sequence change replaces aspartic acid, which is acidic and polar, with glutamic acid, which is acidic and polar, at codon 72 of the MRPS14 protein (p.Asp72Glu). This variant is present in population databases (no rsID available, gnomAD 0.007%). This variant has not been reported in the literature in individuals affected with MRPS14-related conditions. An algorithm developed to predict the effect of missense changes on protein structure and function (PolyPhen-2) suggests that this variant is likely to be tolerated. In summary, the available evidence is currently insufficient to determine the role of this variant in disease. Therefore, it has been classified as a Variant of Uncertain Significance.